The following is an entry in ClinVar:

ClinVar aggregate classification (germline): Uncertain significance (1 of 4 stars; one submission).

Conditions:
Chondrodysplasia punctata 2 X-linked dominant (CDPX2). Also called: EBP-Related X-Linked Chondrodysplasia Punctata; HAPPLE SYNDROME; Hunermann-Conradi Syndrome; CONRADI-HUNERMANN-HAPPLE SYNDROME. Identifiers: Orphanet 35173, MedGen C0282102, MONDO:0020603, OMIM 302960.

Submission:

Neuberg Centre For Genomic Medicine, NCGM
Classification: Uncertain significance for Chondrodysplasia punctata 2 X-linked dominant. Review status: criteria provided, single submitter. Criteria: ACMG Guidelines, 2015. Collection method: clinical testing. Allele origin: germline. Affected: yes.
Comment: The missense variant p.F69C in EBP (NM_006579.3) has not been reported previously as a pathogenic variant nor as a benign variant, to our knowledge. The p.F69C variant is novel (not in any individuals) in gnomAD Exomes and is novel (not in any individuals) in 1000 Genomes. There is a large physicochemical difference between phenylalanine and cysteine, which is likely to impact secondary protein structure as these residues differ in polarity, charge, size and/or other properties. The p.F69C missense variant is predicted to be damaging by both SIFT and PolyPhen2. The phenylalanine residue at codon 69 of EBP is conserved in all mammalian species. The nucleotide c.206 in EBP is predicted conserved by GERP++ and PhyloP across 100 vertebrates. For these reasons, this variant has been classified as Uncertain Significance.

NM_006579.3(EBP):c.206T>G (p.Phe69Cys)

Gene: EBP (EBP cholestenol delta-isomerase; plus strand). Cytogenetic location: Xp11.23.
Variant type: single nucleotide variant.
Coding change: c.206T>G on transcript NM_006579.3 (MANE Select); coding-DNA position 206, T replaced by G.
Protein change: p.Phe69Cys; replaces phenylalanine 69 with cysteine.
Molecular consequence: missense variant.
Genome position (GRCh38, 1-based): chrX:48,523,977, T>G. VCF-style: chrX-48523977-T-G. GRCh37 (hg19) VCF-style: chrX-48382365-T-G.
Other names: short protein forms F69C.
Identifiers: ClinVar variation 1339008 (VCV001339008.2), dbSNP rs2147154702, ClinGen allele CA412851544.